The following is an entry in ClinVar:

NM_000237.3(LPL):c.213C>G (p.His71Gln)

Gene: LPL (lipoprotein lipase; plus strand). Cytogenetic location: 8p21.3.
Variant type: single nucleotide variant.
Coding change: c.213C>G on transcript NM_000237.3 (MANE Select); coding-DNA position 213, C replaced by G.
Protein change: p.His71Gln; replaces histidine 71 with glutamine.
Molecular consequence: missense variant.
Genome position (GRCh38, 1-based): chr8:19,948,304, C>G. VCF-style: chr8-19948304-C-G. GRCh37 (hg19) VCF-style: chr8-19805815-C-G.
Other names: short protein forms H71Q.
Identifiers: ClinVar variation 495743 (VCV000495743.19), dbSNP rs11542065, ClinGen allele CA4655340.

ClinVar aggregate classification (germline): Benign/Likely benign. Review status: criteria provided, multiple submitters, no conflicts (2 of 4 stars). 6 submissions from 6 submitters: Benign (3); Likely benign (1). 2 of the submissions do not count toward it. Last evaluated 2026-01-28.

Conditions:
LPL-related disorder. Also called: LPL-related condition.
Hyperlipoproteinemia, type I. Also called: Lipase D deficiency; Familial Lipoprotein Lipase Deficiency; Hyperlipoproteinemia type 1; Hyperchylomicro-nemia familial; Familial chylomicronemia; Hyperlipemia idiopathic Burger-Grutz type. Identifiers: Orphanet 309015, Orphanet 444490, MedGen C0023817, MONDO:0009387, OMIM 238600. Disease mechanism: loss of function.
Cardiovascular phenotype. Identifiers: MedGen CN230736.

Allele frequency attached by ClinVar (database versions not stated): ESP Exome Variant Server 0.00323; 1000 Genomes Project 30x 0.00500; TOPMed 0.00340; 1000 Genomes Project 0.00379.
gnomAD v4.1: 962 of 1,614,130 alleles (0.06%); highest among the groups gnomAD compares: African/African-American, 1.2%; 3 homozygotes.

Submissions (6):

Labcorp Genetics (formerly Invitae), Labcorp
Classification: Benign. Last evaluated: 2026-01-28. Review status: criteria provided, single submitter. Criteria: Invitae Variant Classification Sherloc (09022015). Collection method: clinical testing. Allele origin: germline.

Ambry Genetics
Classification: Benign for Cardiovascular phenotype. Last evaluated: 2025-06-03. Review status: criteria provided, single submitter. Criteria: Ambry Variant Classification Scheme 2023. Collection method: clinical testing. Allele origin: germline.

Women's Health and Genetics/Laboratory Corporation of America, LabCorp
Classification: Likely benign. Last evaluated: 2024-08-05. Review status: criteria provided, single submitter. Criteria: LabCorp Variant Classification Summary - May 2015. Collection method: clinical testing. Allele origin: germline.
Comment: Variant summary: LPL c.213C>G (p.His71Gln) results in a non-conservative amino acid change in the encoded protein sequence. Three of five in-silico tools predict a benign effect of the variant on protein function. The variant allele was found at a frequency of 0.00084 in 251790 control chromosomes, predominantly at a frequency of 0.013 within the African or African-American subpopulation in the gnomAD database. The observed variant frequency within African or African-American control individuals in the gnomAD database is approximately 4 fold of the estimated maximal expected allele frequency for a pathogenic variant in LPL causing Familial Lipoprotein Lipase Deficiency phenotype (0.0034). one study identified the variant in 9 of 208 patients with familial hyperlipidemia but did not detect the variant in 171 control individuals, revealing an enrichment of the variant in patients (odds ratio of 16.33 [95% CI = 0.94 - 282.7], Minicocci_2015)(As calculated using the online OR calculator tool, MEDCALC using the case controls data published in Minicocci_Athero_2015). As the 95% CI overlaps 1 there is little confidence in the strength of this assertion and additional large studies would be needed to validate this finding. This variant was also reported in two more individuals from a cohort of hypertriglyceridemia, without primary information (Deshotels_2022). These report(s) do not provide unequivocal conclusions about association of the variant with Familial Lipoprotein Lipase Deficiency. To our knowledge, no experimental evidence demonstrating an impact on protein function has been reported. The following publications have been ascertained in the context of this evaluation (PMID: 36325899, 26342331). ClinVar contains an entry for this variant (Variation ID: 495743). Based on the evidence outlined above, the variant was classified as likely benign.

GeneDx
Classification: Benign. Last evaluated: 2021-03-22. Review status: criteria provided, single submitter. Criteria: GeneDx Variant Classification Process June 2021. Collection method: clinical testing. Allele origin: germline. Affected: yes.
Comment: This variant is associated with the following publications: (PMID: 33303402, 22129523)

Natera, Inc.
Classification: Likely benign for Lipoprotein lipase deficiency. Last evaluated: 2020-01-10. Review status: no assertion criteria provided. Collection method: clinical testing. Allele origin: germline. Not counted in ClinVar's aggregate classification.

PreventionGenetics, part of Exact Sciences
Classification: Benign for LPL-related condition. Last evaluated: 2019-12-06. Review status: no assertion criteria provided. Collection method: clinical testing. Allele origin: germline. Not counted in ClinVar's aggregate classification.
Comment: This variant is classified as benign based on ACMG/AMP sequence variant interpretation guidelines (Richards et al. 2015 PMID: 25741868, with internal and published modifications).

Literature cited by the submitters: PubMed 26342331 (cited by Women's Health and Genetics/Laboratory Corporation of America, LabCorp); PubMed 36325899 (cited by Women's Health and Genetics/Laboratory Corporation of America, LabCorp).